The following is an entry in ClinVar:

ClinVar aggregate classification (germline): Pathogenic/Likely pathogenic. Review status: criteria provided, multiple submitters, no conflicts (2 of 4 stars). 2 submissions from 2 submitters: Pathogenic (1); Likely pathogenic (1). Last evaluated 2024-02-16.

Conditions:
Familial hemophagocytic lymphohistiocytosis 2 (FHL2). Also called: PRF1-Related Familial Hemophagocytic Lymphohistiocytosis (PRF1-fHLH). Identifiers: Orphanet 540, MedGen C1863727, MONDO:0011337, OMIM 603553.

Submissions (2):

Labcorp Genetics (formerly Invitae), Labcorp
Classification: Pathogenic for Familial hemophagocytic lymphohistiocytosis 2. Last evaluated: 2024-02-16. Review status: criteria provided, single submitter. Criteria: Invitae Variant Classification Sherloc (09022015). Collection method: clinical testing. Allele origin: germline.
Comment: This sequence change creates a premature translational stop signal (p.Glu323Serfs*7) in the PRF1 gene. While this is not anticipated to result in nonsense mediated decay, it is expected to disrupt the last 233 amino acid(s) of the PRF1 protein. This variant is not present in population databases (gnomAD no frequency). This variant has not been reported in the literature in individuals affected with PRF1-related conditions. ClinVar contains an entry for this variant (Variation ID: 1334600). This variant disrupts a region of the PRF1 protein in which other variant(s) (p.Asp491Asn) have been determined to be pathogenic (PMID: 24390453, 25577959, 33746956). This suggests that this is a clinically significant region of the protein, and that variants that disrupt it are likely to be disease-causing. For these reasons, this variant has been classified as Pathogenic.

Greenwood Genetic Center Diagnostic Laboratories, Greenwood Genetic Center
Classification: Likely pathogenic for Familial hemophagocytic lymphohistiocytosis 2. Last evaluated: 2021-09-22. Review status: criteria provided, single submitter. Criteria: ACMG Guidelines, 2015. Collection method: clinical testing. Allele origin: germline. Affected: yes.
Comment: PVS1, PM2

Literature cited by the submitters: PubMed 24390453 (cited by Labcorp Genetics (formerly Invitae), Labcorp); PubMed 25577959 (cited by Labcorp Genetics (formerly Invitae), Labcorp); PubMed 33746956 (cited by Labcorp Genetics (formerly Invitae), Labcorp).

NM_001083116.3(PRF1):c.963del (p.Glu323fs)

Gene: PRF1 (perforin 1; minus strand). Cytogenetic location: 10q22.1.
Variant type: Deletion.
Coding change: c.963del on transcript NM_001083116.3 (MANE Select); coding-DNA position 963, one base deleted (G; older notation c.963delG).
Protein change: p.Glu323fs; shifts the reading frame from glutamic acid 323.
Molecular consequence: frameshift variant.
Genome position (GRCh38, 1-based): chr10:70,598,758, C deleted on the plus strand (G on the coding strand, the reverse complement: PRF1 is on the minus strand); the first of 3 consecutive C bases (chr10:70,598,758-70,598,760); deleting any one gives the same sequence. VCF-style (leftmost placement, unchanged base first): chr10-70598757-GC-G. GRCh37 (hg19) VCF-style: chr10-72358513-GC-G.
Other names: c.963del, p.Glu323fs (NM_005041.6); short protein forms E323fs.
Identifiers: ClinVar variation 1334600 (VCV001334600.6), dbSNP rs2132476029, ClinGen allele CA2573053286.
Genomic context (GRCh38, chr10:70,598,757, plus strand): 5'-TGTAGTCCACCAGGCCAGGGCTGCCGGGCAGCGAGTTTACCCAGGCTGAGTACTGCTCGG[GC>G]CCGGCCTGGATCCCGAACAGCAGGTCGTTAATGGAGGTGTGATGGCCGCCAACCACTTCC-3'